The following is an entry in ClinVar:

ClinVar aggregate classification (germline): Conflicting classifications of pathogenicity. Review status: criteria provided, conflicting classifications (1 of 4 stars). 10 submissions from 10 submitters: Pathogenic (3); Likely pathogenic (4); Uncertain significance (2). 1 of the submissions does not count toward it. Last evaluated 2026-05-15.

Conditions:
KCNQ1-related disorder. Also called: KCNQ1-related condition; KCNQ1-related disorders. Identifiers: MedGen CN239322.
Cardiac arrhythmia. Also called: Arrhythmia; Cardiac rhythm disease. Identifiers: MedGen C0003811, MONDO:0007263, HP:0011675.
Familial long QT syndrome (RWS). Also called: Congenital long QT syndrome; Romano-Ward syndrome; VENTRICULAR FIBRILLATION WITH PROLONGED QT INTERVAL. Identifiers: Orphanet 768, MedGen C1141890, MONDO:0019171.
Long QT syndrome (LQTS). Identifiers: MedGen C0023976, MeSH D008133, MONDO:0002442. Disease mechanism: loss of function. Inheritance: Various modes of inheritance.
Long QT syndrome 1 (LQT1). Identifiers: Orphanet 101016, Orphanet 768, MedGen C4551647, MONDO:0100316, OMIM 192500, MONDO:0008646.

Allele frequency attached by ClinVar (database versions not stated): gnomAD exomes 0.00001; TOPMed below 0.00001; gnomAD 0.00002.
gnomAD v4.1: 8 of 1,613,536 alleles (0.0005%); highest among the groups gnomAD compares: African/African-American, 0.0013%; no homozygotes.

Submissions (10):

Institute of Medical Genetics and Applied Genomics, University Hospital Tübingen
Classification: Likely pathogenic for Long QT syndrome 1. Last evaluated: 2026-05-15. Review status: criteria provided, single submitter. Criteria: ACMG Guidelines, 2015. Collection method: clinical testing. Allele origin: germline. Inheritance: Autosomal dominant inheritance. Affected: yes.
Comment: Classified according to ClinGen CSR: PS4_Strong, PS3_Supporting, PM2_Moderate, PP3_Supporting

GeneDx
Classification: Uncertain significance. Last evaluated: 2025-03-07. Review status: criteria provided, single submitter. Criteria: GeneDx Variant Classification Process June 2021. Collection method: clinical testing. Allele origin: germline. Affected: yes.
Comment: Reported in association with sinus bradycardia and LQTS or suspected LQTS; of note, one of the probands with a prolonged QTc was homozygous for this variant and had normal hearing (PMID: 14998624, 15840476, 19841300, 28532774, 28491806, 32421437); Not observed at significant frequency in large population cohorts (gnomAD); In silico analysis indicates that this missense variant does not alter protein structure/function; This variant is associated with the following publications: (PMID: 19841300, 34505893, 31565860, 32421437, 17329209, 15840476, 22949429, 17329207, 18174212, 19825999, 19322600, 16623272, 28491806, 28532774, 24713462, 32048431, 31589614, 14998624, Bora[article]2023, 38657442, 38540378)

Labcorp Genetics (formerly Invitae), Labcorp
Classification: Pathogenic for Long QT syndrome. Last evaluated: 2024-09-18. Review status: criteria provided, single submitter. Criteria: Invitae Variant Classification Sherloc (09022015). Collection method: clinical testing. Allele origin: germline.
Comment: This sequence change replaces alanine, which is neutral and non-polar, with threonine, which is neutral and polar, at codon 590 of the KCNQ1 protein (p.Ala590Thr). This variant is present in population databases (rs199472813, gnomAD 0.004%). This missense change has been observed in individuals with definite or suspected long QT syndrome (PMID: 14998624, 22949429, 23130128, 24713462, 28491806). ClinVar contains an entry for this variant (Variation ID: 53015). Invitae Evidence Modeling of protein sequence and biophysical properties (such as structural, functional, and spatial information, amino acid conservation, physicochemical variation, residue mobility, and thermodynamic stability) indicates that this missense variant is expected to disrupt KCNQ1 protein function with a positive predictive value of 95%. Experimental studies have shown that this missense change affects KCNQ1 function (PMID: 24713462). For these reasons, this variant has been classified as Pathogenic.

CeGaT Center for Human Genetics Tuebingen
Classification: Likely pathogenic. Last evaluated: 2024-09-01. Review status: criteria provided, single submitter. Criteria: CeGaT Center For Human Genetics Tuebingen Variant Classification Criteria Version 2. Collection method: clinical testing. Allele origin: germline. Affected: yes. Observed: 3 variant alleles.
Comment: KCNQ1: PM1, PM2, PS3:Moderate, PS4:Moderate, PP1

Color Diagnostics, LLC DBA Color Health
Classification: Pathogenic for Cardiac arrhythmia. Last evaluated: 2024-02-23. Review status: criteria provided, single submitter. Criteria: ACMG Guidelines, 2015. Collection method: clinical testing. Allele origin: germline.
Comment: This missense variant replaces alanine with threonine at codon 590 of the KCNQ1 protein. This variant is found within a highly conserved region (a.a.585-607) of C-terminal cytoplasmic coiled-coil domain. Rare nontruncating variants in this region have been shown to be significantly overrepresented in individuals with long QT syndrome (PMID: 32893267). A functional study has shown that this variant may adversely affect channel trafficking to the cell surface and function (PMID: 24713462). This variant has been reported in over ten unrelated individuals affected with long QT syndrome (PMID: 14998624, 15840476, 16623272, 19841300, 23130128, 24713462, 28491806, 28532774, 32421437, 32893267, 34395343, 37597120, 37901857). The variant has been observed in biallelic state in two of these individuals, who showed severe phenotypes but no hearing loss (PMID: 28491806, 37597120). This variant has been identified in 3/282306 chromosomes in the general population by the Genome Aggregation Database (gnomAD). Based on the available evidence, this variant is classified as Pathogenic.

Blueprint Genetics
Classification: Pathogenic for KCNQ1-related disorders. Last evaluated: 2023-08-07. Review status: criteria provided, single submitter. Criteria: ACMG Guidelines, 2015. Collection method: clinical testing. Allele origin: germline. Affected: yes. Observed: 5 variant alleles.

MVZ Martinsried, Medicover Genetics
Classification: Likely pathogenic for Long QT syndrome 1. Last evaluated: 2022-01-13. Review status: criteria provided, single submitter. Criteria: ACGS Guidelines, 2020. Collection method: clinical testing. Allele origin: unknown. Affected: yes.

HudsonAlpha Institute for Biotechnology
Classification: Likely pathogenic for Long QT syndrome 1. Last evaluated: 2019-11-15. Review status: criteria provided, single submitter. Criteria: ACMG Guidelines, 2015. Collection method: research. Allele origin: unknown. Observed: 1 variant allele. Study: AGHI GT.

Stanford Center for Inherited Cardiovascular Disease, Stanford University
Classification: Uncertain significance. Last evaluated: 2013-11-13. Review status: criteria provided, single submitter. Criteria: ACMG Guidelines, 2015. Collection method: provider interpretation. Allele origin: germline.

Cardiovascular Biomedical Research Unit, Royal Brompton & Harefield NHS Foundation Trust
No classification provided. Condition: Familial long QT syndrome. Review status: no classification provided. Collection method: literature only. Allele origin: germline. Not counted in ClinVar's aggregate classification.
Comment: This variant has been reported as associated with Long QT syndrome in the following publications (PMID:14998624;PMID:15840476;PMID:16623272;PMID:17329209;PMID:19841300;PMID:17329207). This is a literature report, and does not necessarily reflect the clinical interpretation of the Imperial College / Royal Brompton Cardiovascular Genetics laboratory.

Literature cited by the submitters: PubMed 14998624 (cited by 3 submitters); PubMed 22949429 (cited by Labcorp Genetics (formerly Invitae), Labcorp); PubMed 23130128 (cited by Labcorp Genetics (formerly Invitae), Labcorp and Color Diagnostics, LLC DBA Color Health); PubMed 24713462 (cited by Labcorp Genetics (formerly Invitae), Labcorp and Color Diagnostics, LLC DBA Color Health); PubMed 28491806 (cited by Labcorp Genetics (formerly Invitae), Labcorp and Color Diagnostics, LLC DBA Color Health); PubMed 15840476 (cited by Color Diagnostics, LLC DBA Color Health and Cardiovascular Biomedical Research Unit, Royal Brompton & Harefield NHS Foundation Trust); PubMed 16623272 (cited by Color Diagnostics, LLC DBA Color Health and Cardiovascular Biomedical Research Unit, Royal Brompton & Harefield NHS Foundation Trust); PubMed 19841300 (cited by Color Diagnostics, LLC DBA Color Health and Cardiovascular Biomedical Research Unit, Royal Brompton & Harefield NHS Foundation Trust); PubMed 28532774 (cited by Color Diagnostics, LLC DBA Color Health); PubMed 32421437 (cited by Color Diagnostics, LLC DBA Color Health); PubMed 32893267 (cited by Color Diagnostics, LLC DBA Color Health); PubMed 34395343 (cited by Color Diagnostics, LLC DBA Color Health); PubMed 37597120 (cited by Color Diagnostics, LLC DBA Color Health); PubMed 37901857 (cited by Color Diagnostics, LLC DBA Color Health); PubMed 17329209 (cited by Cardiovascular Biomedical Research Unit, Royal Brompton & Harefield NHS Foundation Trust); PubMed 17329207 (cited by Cardiovascular Biomedical Research Unit, Royal Brompton & Harefield NHS Foundation Trust); PubMed 22581653 (cited by Cardiovascular Biomedical Research Unit, Royal Brompton & Harefield NHS Foundation Trust).

NM_000218.3(KCNQ1):c.1768G>A (p.Ala590Thr)

Gene: KCNQ1 (potassium voltage-gated channel subfamily Q member 1; plus strand). Cytogenetic location: 11p15.5.
Variant type: single nucleotide variant.
Coding change: c.1768G>A on transcript NM_000218.3 (MANE Select); coding-DNA position 1768, G replaced by A.
Protein change: p.Ala590Thr; replaces alanine 590 with threonine.
Molecular consequence: missense variant.
Genome position (GRCh38, 1-based): chr11:2,778,011, G>A. VCF-style: chr11-2778011-G-A. GRCh37 (hg19) VCF-style: chr11-2799241-G-A.
Other names: p.A590T:GCC>ACC; c.1768G>A (LRG_287t1); c.1672G>A, p.Ala558Thr (NM_001406836.1); c.1498G>A, p.Ala500Thr (NM_001406837.1); c.1228G>A, p.Ala410Thr (NM_001406838.1); c.280G>A, p.Ala94Thr (NM_001406839.1); c.1387G>A, p.Ala463Thr (NM_181798.2); short protein forms A590T, A463T, A410T, A558T, A500T, A94T.
Identifiers: ClinVar variation 53015 (VCV000053015.62), dbSNP rs199472813, ClinGen allele CA006354.